The following is an entry in ClinVar:

ClinVar aggregate classification (germline): Benign/Likely benign. Review status: criteria provided, multiple submitters, no conflicts (2 of 4 stars). 4 submissions from 3 submitters: Benign (2); Likely benign (2). Last evaluated 2018-07-09.

Conditions:
Seckel syndrome 5 (SCKL5). Identifiers: Orphanet 808, MedGen C3151187, MONDO:0013443, OMIM 613823.
Microcephaly 9, primary, autosomal recessive. Identifiers: Orphanet 2512, MedGen C3553886, MONDO:0013923, OMIM 614852.

Allele frequency attached by ClinVar (database versions not stated): 1000 Genomes Project 0.02776; 1000 Genomes Project 30x 0.02858; gnomAD exomes 0.03420; gnomAD 0.03509 and 0.03605; TOPMed 0.03683.
gnomAD v4.1: 25,747 of 748,566 alleles (3.4%); highest among the groups gnomAD compares: Middle Eastern, 5.5%; 539 homozygotes.

Submissions (4):

GeneDx
Classification: Likely benign. Last evaluated: 2018-07-09. Review status: criteria provided, single submitter. Criteria: GeneDx Variant Classification Process June 2021. Collection method: clinical testing. Allele origin: germline. Affected: yes.

Illumina Laboratory Services, Illumina
Classification: Benign for Microcephaly 9, primary, autosomal recessive. Last evaluated: 2018-01-12. Review status: criteria provided, single submitter. Criteria: ICSL Variant Classification Criteria 13 December 2019. Collection method: clinical testing. Allele origin: germline.
Comment: This variant was observed in the ICSL laboratory as part of a predisposition screen in an ostensibly healthy population. It had not been previously curated by ICSL or reported in the Human Gene Mutation Database (HGMD: prior to June 1st, 2018), and was therefore a candidate for classification through an automated scoring system. Utilizing variant allele frequency, disease prevalence and penetrance estimates, and inheritance mode, an automated score was calculated to assess if this variant is too frequent to cause the disease. Based on the score and internal cut-off values, a variant classified as benign is not then subjected to further curation. The score for this variant resulted in a classification of benign for this disease.

Illumina Laboratory Services, Illumina
Classification: Benign for Seckel syndrome 5. Last evaluated: 2018-01-12. Review status: criteria provided, single submitter. Criteria: ICSL Variant Classification Criteria 13 December 2019. Collection method: clinical testing. Allele origin: germline.
Comment: the same text as in the submission from Illumina Laboratory Services, Illumina above.

Breakthrough Genomics
Classification: Likely benign. Review status: criteria provided, single submitter. Criteria: ACMG Guidelines, 2015. Collection method: not provided. Allele origin: germline. Inheritance: Autosomal recessive inheritance. Affected: yes.

NM_001194998.2(CEP152):c.*170T>C

Gene: CEP152 (centrosomal protein 152; minus strand). Cytogenetic location: 15q21.1.
Variant type: single nucleotide variant.
Coding change: c.*170T>C on transcript NM_001194998.2 (MANE Select); 170 bases downstream of the stop codon, T replaced by C.
Molecular consequence: 3 prime UTR variant.
Genome position (GRCh38, 1-based): chr15:48,738,079, A>G on the plus strand (T>C on the coding strand, the complement: CEP152 is on the minus strand). VCF-style: chr15-48738079-A-G. GRCh37 (hg19) VCF-style: chr15-49030276-A-G.
Other names: c.*170T>C (NM_014985.4).
Identifiers: ClinVar variation 316405 (VCV000316405.8), dbSNP rs2169757, ClinGen allele CA10647099.